The following is an entry in ClinVar:

ClinVar aggregate classification (germline): Uncertain significance (1 of 4 stars; one submission).

Conditions:
Combined immunodeficiency due to DOCK8 deficiency (HIES2). Also called: HIES autosomal recessive; Hyper-IgE recurrent infection syndrome, autosomal recessive; HYPER-IgE RECURRENT INFECTION SYNDROME 2, AUTOSOMAL RECESSIVE; HYPER-IgE SYNDROME 2, AUTOSOMAL RECESSIVE, WITH RECURRENT INFECTIONS; DOCK8 Deficiency. Identifiers: Orphanet 217390, MedGen C4722305, MONDO:0009478, OMIM 243700.

Allele frequency attached by ClinVar (database versions not stated): gnomAD exomes below 0.00001.

Submission:

Labcorp Genetics (formerly Invitae), Labcorp
Classification: Uncertain significance for Combined immunodeficiency due to DOCK8 deficiency. Last evaluated: 2021-05-12. Review status: criteria provided, single submitter. Criteria: Invitae Variant Classification Sherloc (09022015). Collection method: clinical testing. Allele origin: germline.
Comment: In summary, the available evidence is currently insufficient to determine the role of this variant in disease. Therefore, it has been classified as a Variant of Uncertain Significance. Algorithms developed to predict the effect of missense changes on protein structure and function are either unavailable or do not agree on the potential impact of this missense change (SIFT: "Deleterious"; PolyPhen-2: "Possibly Damaging"; Align-GVGD: "Class C0"). This variant has not been reported in the literature in individuals with DOCK8-related conditions. This variant is not present in population databases (ExAC no frequency). This sequence change replaces threonine with proline at codon 1160 of the DOCK8 protein (p.Thr1160Pro). The threonine residue is moderately conserved and there is a small physicochemical difference between threonine and proline.

NM_203447.4(DOCK8):c.3478A>C (p.Thr1160Pro)

Gene: DOCK8 (dedicator of cytokinesis 8; plus strand). Cytogenetic location: 9p24.3.
Variant type: single nucleotide variant.
Coding change: c.3478A>C on transcript NM_203447.4 (MANE Select); coding-DNA position 3478, A replaced by C.
Protein change: p.Thr1160Pro; replaces threonine 1160 with proline.
Molecular consequence: missense variant.
Genome position (GRCh38, 1-based): chr9:407,017, A>C. VCF-style: chr9-407017-A-C. GRCh37 (hg19) VCF-style: chr9-407017-A-C.
Other names: c.3178A>C, p.Thr1060Pro (NM_001190458.2); c.3274A>C, p.Thr1092Pro (NM_001193536.2); short protein forms T1060P, T1092P, T1160P.
Identifiers: ClinVar variation 1394748 (VCV001394748.8), dbSNP rs1344457935, ClinGen allele CA372758496.